The following is an entry in ClinVar:

NM_001042492.3(NF1):c.3625del (p.Val1209fs)

Gene: NF1 (neurofibromin 1; plus strand). Cytogenetic location: 17q11.2.
Variant type: Deletion.
Coding change: c.3625del on transcript NM_001042492.3 (MANE Select); coding-DNA position 3625, one base deleted (G; older notation c.3625delG).
Protein change: p.Val1209fs; shifts the reading frame from valine 1209.
Molecular consequence: frameshift variant.
Genome position (GRCh38, 1-based): chr17:31,233,130, G deleted; the last of 2 consecutive G bases (chr17:31,233,129-31,233,130); deleting either gives the same sequence. VCF-style (leftmost placement, unchanged base first): chr17-31233128-TG-T. GRCh37 (hg19) VCF-style: chr17-29560146-TG-T.
Other names: c.3625delG, p.Val1209Trpfs (NM_000267.4); short protein forms V1209fs.
Identifiers: ClinVar variation 2764506 (VCV002764506.3), dbSNP rs2508239773, ClinGen allele CA2697559806.

ClinVar aggregate classification (germline): Pathogenic (1 of 4 stars; one submission).

Conditions:
Neurofibromatosis, type 1 (NF1). Also called: VON RECKLINGHAUSEN DISEASE; Neurofibromatosis, type I; NEUROFIBROMATOSIS, TYPE I, SOMATIC; Peripheral type neurofibromatosis. Identifiers: Orphanet 636, MedGen C0027831, MONDO:0018975, OMIM 162200. Disease mechanism: loss of function.

Submission:

Labcorp Genetics (formerly Invitae), Labcorp
Classification: Pathogenic for Neurofibromatosis, type 1. Last evaluated: 2023-09-30. Review status: criteria provided, single submitter. Criteria: Invitae Variant Classification Sherloc (09022015). Collection method: clinical testing. Allele origin: germline.
Comment: This sequence change creates a premature translational stop signal (p.Val1209Trpfs*6) in the NF1 gene. It is expected to result in an absent or disrupted protein product. Loss-of-function variants in NF1 are known to be pathogenic (PMID: 10712197, 23913538). This variant is not present in population databases (gnomAD no frequency). This variant has not been reported in the literature in individuals affected with NF1-related conditions. For these reasons, this variant has been classified as Pathogenic.

Literature cited by the submitters: PubMed 10712197; PubMed 23913538.